The following is an entry in ClinVar:

NM_001197104.2(KMT2A):c.2664A>G (p.Ser888=)

Gene: KMT2A (lysine methyltransferase 2A; plus strand). Cytogenetic location: 11q23.3.
Variant type: single nucleotide variant.
Coding change: c.2664A>G on transcript NM_001197104.2 (MANE Select); coding-DNA position 2664, A replaced by G.
Protein change: p.Ser888=; no amino-acid change (serine 888 retained).
Molecular consequence: synonymous variant.
Genome position (GRCh38, 1-based): chr11:118,473,823, A>G. VCF-style: chr11-118473823-A-G. GRCh37 (hg19) VCF-style: chr11-118344538-A-G.
Other names: c.2763A>G, p.Ser921= (NM_001412597.1); c.2664A>G, p.Ser888= (NM_005933.4).
Identifiers: ClinVar variation 2642422 (VCV002642422.23), dbSNP rs2496813975, ClinGen allele CA477358674.

ClinVar aggregate classification (germline): Likely benign (1 of 4 stars; one submission).

Submission:

CeGaT Center for Human Genetics Tuebingen
Classification: Likely benign. Last evaluated: 2022-05-01. Review status: criteria provided, single submitter. Criteria: CeGaT Center For Human Genetics Tuebingen Variant Classification Criteria Version 2. Collection method: clinical testing. Allele origin: germline. Affected: yes. Observed: 1 variant allele.
Comment: AP001267.5: PM2:Supporting, BP4, BP7; KMT2A: PM2:Supporting, BP4, BP7